The following is an entry in ClinVar:

ClinVar aggregate classification (germline): Benign. Review status: criteria provided, multiple submitters, no conflicts (2 of 4 stars). 4 submissions from 4 submitters: Benign (4). Last evaluated 2021-07-14.

Conditions:
Hearing loss, autosomal recessive 112. Also called: DEAFNESS, AUTOSOMAL RECESSIVE 112. Identifiers: MedGen C4748855, MONDO:0032639, OMIM 618257.

Allele frequency attached by ClinVar (database versions not stated): gnomAD 0.44242 and 0.44369; ExAC 0.46196; 1000 Genomes Project 0.43271; ESP Exome Variant Server 0.44997; 1000 Genomes Project 30x 0.42958; TOPMed 0.42363.
gnomAD v4.1: 770,170 of 1,612,150 alleles (48%); highest among the groups gnomAD compares: South Asian, 55%; 186,561 homozygotes.

Submissions (4):

Genome-Nilou Lab
Classification: Benign for Hearing loss, autosomal recessive 112. Last evaluated: 2021-07-14. Review status: criteria provided, single submitter. Criteria: ACMG Guidelines, 2015. Collection method: clinical testing. Allele origin: germline. Affected: no.

Mayo Clinic Laboratories, Mayo Clinic
Classification: Benign. Last evaluated: 2019-08-13. Review status: criteria provided, single submitter. Criteria: ACMG Guidelines, 2015. Collection method: clinical testing. Allele origin: germline. Observed: 74 variant alleles.

GeneDx
Classification: Benign. Last evaluated: 2017-05-09. Review status: criteria provided, single submitter. Criteria: GeneDx Variant Classification (06012015). Collection method: clinical testing. Allele origin: germline. Affected: yes.
Comment: This variant is considered likely benign or benign based on one or more of the following criteria: it is a conservative change, it occurs at a poorly conserved position in the protein, it is predicted to be benign by multiple in silico algorithms, and/or has population frequency not consistent with disease.

Breakthrough Genomics
Classification: Benign. Review status: criteria provided, single submitter. Criteria: ACMG Guidelines, 2015. Collection method: not provided. Allele origin: germline. Inheritance: Autosomal recessive inheritance. Affected: yes.

NM_018429.3(BDP1):c.7074G>T (p.Pro2358=)

Gene: BDP1 (BDP1 general transcription factor IIIB subunit; plus strand). Cytogenetic location: 5q13.2.
Variant type: single nucleotide variant.
Coding change: c.7074G>T on transcript NM_018429.3 (MANE Select); coding-DNA position 7074, G replaced by T.
Protein change: p.Pro2358=; no amino-acid change (proline 2358 retained).
Molecular consequence: synonymous variant.
Genome position (GRCh38, 1-based): chr5:71,553,194, G>T. VCF-style: chr5-71553194-G-T. GRCh37 (hg19) VCF-style: chr5-70849021-G-T.
Other names: p.Pro2358=.
Identifiers: ClinVar variation 508090 (VCV000508090.6), dbSNP rs469039, ClinGen allele CA3297421.